The following is an entry in ClinVar:

NM_032043.3(BRIP1):c.2649del (p.Glu883fs)

Gene: BRIP1 (BRCA1 interacting DNA helicase 1; minus strand). Cytogenetic location: 17q23.2.
Variant type: Deletion.
Coding change: c.2649del on transcript NM_032043.3 (MANE Select); coding-DNA position 2649, one base deleted (A; older notation c.2649delA).
Protein change: p.Glu883fs; shifts the reading frame from glutamic acid 883.
Molecular consequence: frameshift variant.
Genome position (GRCh38, 1-based): chr17:61,686,092, T deleted on the plus strand (A on the coding strand, the reverse complement: BRIP1 is on the minus strand); the first of 2 consecutive T bases (chr17:61,686,092-61,686,093); deleting either gives the same sequence. VCF-style (leftmost placement, unchanged base first): chr17-61686091-AT-A. GRCh37 (hg19) VCF-style: chr17-59763452-AT-A.
Other names: short protein forms E883fs.
Identifiers: ClinVar variation 2583640 (VCV002583640.2), dbSNP rs2544573668, ClinGen allele CA2582342319.

ClinVar aggregate classification (germline): Pathogenic (1 of 4 stars; one submission).

Conditions:
Familial cancer of breast. Also called: Hereditary breast cancer; BREAST CANCER, FAMILIAL; hereditary breast carcinoma. Identifiers: Orphanet 227535, MedGen C0346153, MONDO:0016419, OMIM 114480. Disease mechanism: loss of function.

Submission:

Myriad Genetics, Inc.
Classification: Pathogenic for Familial cancer of breast. Last evaluated: 2023-06-07. Review status: criteria provided, single submitter. Criteria: Myriad Autosomal Dominant, Autosomal Recessive and X-Linked Classification Criteria (2023). Collection method: clinical testing. Allele origin: unknown.
Comment: This variant is considered pathogenic. This variant creates a frameshift predicted to result in premature protein truncation.